The following is an entry in ClinVar:

NM_006231.4(POLE):c.535G>A (p.Glu179Lys)

Gene: POLE (DNA polymerase epsilon, catalytic subunit; minus strand). Cytogenetic location: 12q24.33.
Variant type: single nucleotide variant.
Coding change: c.535G>A on transcript NM_006231.4 (MANE Select); coding-DNA position 535, G replaced by A.
Protein change: p.Glu179Lys; replaces glutamic acid 179 with lysine.
Molecular consequence: missense variant.
Genome position (GRCh38, 1-based): chr12:132,679,540, C>T on the plus strand (G>A on the coding strand, the complement: POLE is on the minus strand). VCF-style: chr12-132679540-C-T. GRCh37 (hg19) VCF-style: chr12-133256126-C-T.
Other names: short protein forms E179K.
Identifiers: ClinVar variation 4671849 (VCV004671849.1).

ClinVar aggregate classification (germline): Uncertain significance (1 of 4 stars; one submission).

Conditions:
Hereditary cancer-predisposing syndrome. Also called: Neoplastic Syndromes, Hereditary; Tumor predisposition; Hereditary Cancer Syndrome; Hereditary neoplastic syndrome. Identifiers: Orphanet 140162, MedGen C0027672, MeSH D009386, MONDO:0015356.

Submission:

Ambry Genetics
Classification: Uncertain significance for Hereditary cancer-predisposing syndrome. Last evaluated: 2025-10-10. Review status: criteria provided, single submitter. Criteria: Ambry Variant Classification Scheme 2023. Collection method: clinical testing. Allele origin: germline.
Comment: The p.E179K variant (also known as c.535G>A), located in coding exon 6 of the POLE gene, results from a G to A substitution at nucleotide position 535. The glutamic acid at codon 179 is replaced by lysine, an amino acid with similar properties. This amino acid position is well conserved in available vertebrate species. In addition, this alteration is predicted to be tolerated by in silico analysis. Based on the available evidence, the clinical significance of this variant remains unclear.